The following is an entry in ClinVar:

NM_007294.4(BRCA1):c.210A>T (p.Lys70Asn)

Gene: BRCA1 (BRCA1 DNA repair associated; minus strand). Cytogenetic location: 17q21.31.
Variant type: single nucleotide variant.
Coding change: c.210A>T on transcript NM_007294.4 (MANE Select); coding-DNA position 210, A replaced by T.
Protein change: p.Lys70Asn; replaces lysine 70 with asparagine.
Molecular consequence: missense variant.
Genome position (GRCh38, 1-based): chr17:43,106,458, T>A on the plus strand (A>T on the coding strand, the complement: BRCA1 is on the minus strand). VCF-style: chr17-43106458-T-A. GRCh37 (hg19) VCF-style: chr17-41258475-T-A.
Other names: c.210A>T, p.Lys70Asn (NM_001407581.1, NM_001407582.1, NM_001407583.1 and 168 more transcripts); c.69A>T, p.Lys23Asn (NM_001407692.1, NM_001407694.1, NM_001407695.1 and 99 more transcripts); short protein forms K70N, K23N.
Identifiers: ClinVar variation 867338 (VCV000867338.3), dbSNP rs2054769885, ClinGen allele CA10601747.

Conditions:
Breast-ovarian cancer, familial, susceptibility to, 1 (BROVCA1). Also called: BRCA1 Hereditary Breast and Ovarian Cancer; OVARIAN CANCER, SUSCEPTIBILITY TO. Identifiers: Orphanet 145, MedGen C2676676, MONDO:0011450, OMIM 604370. Disease mechanism: loss of function.

Submission:

Brotman Baty Institute, University of Washington
No classification provided (evidence only). Condition: Breast-ovarian cancer, familial 1. Review status: no classification provided. Collection method: in vitro. Allele origin: not applicable. Functional consequence: functionally_abnormal.
ClinVar note: "not provided" was previously submitted as the classification for the variant. However, the classification appeared to be based only on an observation of functional data so it was converted to no classification on 2025-07-30.